The following is an entry in ClinVar:

NM_014585.6(SLC40A1):c.695C>A (p.Ala232Asp)

Gene: SLC40A1 (solute carrier family 40 member 1; minus strand). Cytogenetic location: 2q32.2.
Variant type: single nucleotide variant.
Coding change: c.695C>A on transcript NM_014585.6 (MANE Select); coding-DNA position 695, C replaced by A.
Protein change: p.Ala232Asp; replaces alanine 232 with aspartic acid.
Molecular consequence: missense variant.
Genome position (GRCh38, 1-based): chr2:189,565,419, G>T on the plus strand (C>A on the coding strand, the complement: SLC40A1 is on the minus strand). VCF-style: chr2-189565419-G-T. GRCh37 (hg19) VCF-style: chr2-190430145-G-T.
Other names: short protein forms A232D.
Identifiers: ClinVar variation 801842 (VCV000801842.8), dbSNP rs760236238, ClinGen allele CA2024178.

ClinVar aggregate classification (germline): Uncertain significance. Review status: criteria provided, multiple submitters, no conflicts (2 of 4 stars). 4 submissions from 4 submitters: Uncertain significance (4). Last evaluated 2026-03-11.

Conditions:
Hemochromatosis type 4 (HFE4). Also called: Ferroportin disease; HEMOCHROMATOSIS DUE TO DEFECT IN FERROPORTIN; HEMOCHROMATOSIS, AUTOSOMAL DOMINANT. Identifiers: Orphanet 139491, Orphanet 647834, Orphanet 648562, MedGen C1853733, MONDO:0011631, OMIM 606069.
Hemochromatosis type 1 (HFE1). Also called: HFE-Associated Hereditary Hemochromatosis; HFE-Related Hemochromatosis. Identifiers: Orphanet 465508, MedGen C3469186, MONDO:0021001, OMIM 235200. Disease mechanism: loss of function.
SLC40A1-related disorder. Also called: SLC40A1-related condition.

Allele frequency attached by ClinVar (database versions not stated): gnomAD 0.00006; TOPMed 0.00008.
gnomAD v4.1: 122 of 1,614,116 alleles (0.0076%); highest among the groups gnomAD compares: Admixed American, 0.017%; no homozygotes.

Submissions (4):

PreventionGenetics, part of Exact Sciences
Classification: Uncertain significance for SLC40A1-related condition. Last evaluated: 2026-03-11. Review status: criteria provided, single submitter. Criteria: ACMG Guidelines, 2015. Collection method: clinical testing. Allele origin: germline.
Comment: The SLC40A1 c.695C>A variant is predicted to result in the amino acid substitution p.Ala232Asp. To our knowledge, this variant has not been reported in the literature. This variant is reported in 0.014% of alleles in individuals of Latino descent in gnomAD. At this time, the clinical significance of this variant is uncertain due to the absence of conclusive functional and genetic evidence.

Labcorp Genetics (formerly Invitae), Labcorp
Classification: Uncertain significance for Hemochromatosis type 4. Last evaluated: 2025-11-08. Review status: criteria provided, single submitter. Criteria: Invitae Variant Classification Sherloc (09022015). Collection method: clinical testing. Allele origin: germline.
Comment: This sequence change replaces alanine, which is neutral and non-polar, with aspartic acid, which is acidic and polar, at codon 232 of the SLC40A1 protein (p.Ala232Asp). This variant is present in population databases (rs760236238, gnomAD 0.01%), and has an allele count higher than expected for a pathogenic variant. This missense change has been observed in individual(s) with haemochromatosis (PMID: 19309784). ClinVar contains an entry for this variant (Variation ID: 801842). Invitae Evidence Modeling of protein sequence and biophysical properties (such as structural, functional, and spatial information, amino acid conservation, physicochemical variation, residue mobility, and thermodynamic stability) has been performed for this missense variant. However, the output from this modeling did not meet the statistical confidence thresholds required to predict the impact of this variant on SLC40A1 protein function. In summary, the available evidence is currently insufficient to determine the role of this variant in disease. Therefore, it has been classified as a Variant of Uncertain Significance.

Mendelics
Classification: Uncertain significance for Hemochromatosis type 1. Last evaluated: 2019-05-28. Review status: criteria provided, single submitter. Criteria: Mendelics Assertion Criteria 2017. Collection method: clinical testing. Allele origin: unknown.

Illumina Laboratory Services, Illumina
Classification: Uncertain significance for Hemochromatosis type 4. Last evaluated: 2017-04-27. Review status: criteria provided, single submitter. Criteria: ICSL Variant Classification Criteria 13 December 2019. Collection method: clinical testing. Allele origin: germline.

Literature cited by the submitters: PubMed 19309784 (cited by Labcorp Genetics (formerly Invitae), Labcorp).